The following is an entry in ClinVar:

ClinVar aggregate classification (germline): Pathogenic (1 of 4 stars; one submission).

Conditions:
Hereditary cancer-predisposing syndrome. Also called: Neoplastic Syndromes, Hereditary; Tumor predisposition; Hereditary Cancer Syndrome; Hereditary neoplastic syndrome. Identifiers: Orphanet 140162, MedGen C0027672, MeSH D009386, MONDO:0015356.

Submission:

Ambry Genetics
Classification: Pathogenic for Hereditary cancer-predisposing syndrome. Last evaluated: 2019-02-16. Review status: criteria provided, single submitter. Criteria: Ambry Variant Classification Scheme 2023. Collection method: clinical testing. Allele origin: germline.
Comment: The c.759delT pathogenic mutation, located in coding exon 8 of the BRCA2 gene, results from a deletion of one nucleotide at nucleotide position 759, causing a translational frameshift with a predicted alternate stop codon (p.S253Rfs*24). This alteration is expected to result in loss of function by premature protein truncation or nonsense-mediated mRNA decay. As such, this alteration is interpreted as a disease-causing mutation.

NM_000059.4(BRCA2):c.759del (p.Ser253fs)

Gene: BRCA2 (BRCA2 DNA repair associated; plus strand). Cytogenetic location: 13q13.1.
Variant type: Deletion.
Coding change: c.759del on transcript NM_000059.4 (MANE Select); coding-DNA position 759, one base deleted (T; older notation c.759delT).
Protein change: p.Ser253fs; shifts the reading frame from serine 253.
Molecular consequence: frameshift variant.
Genome position (GRCh38, 1-based): chr13:32,330,996, T deleted. VCF-style (leftmost placement, unchanged base first): chr13-32330995-GT-G. GRCh37 (hg19) VCF-style: chr13-32905132-GT-G.
Other names: c.759delT, p.Ser253Argfs (NM_001406719.1, NM_001406720.1, NM_001406721.1); c.390delT, p.Ser130Argfs (NM_001406722.1); short protein forms S253fs.
Identifiers: ClinVar variation 1759697 (VCV001759697.2), dbSNP rs2548518060, ClinGen allele CA2580087088.